The following is an entry in ClinVar:

NM_015178.3(RHOBTB2):c.1501+4T>A

Gene: RHOBTB2 (Rho related BTB domain containing 2; plus strand). Cytogenetic location: 8p21.3.
Variant type: single nucleotide variant.
Coding change: c.1501+4T>A on transcript NM_015178.3 (MANE Select); 4 bases into the intron after coding-DNA position 1501, T replaced by A.
Molecular consequence: intron variant.
Genome position (GRCh38, 1-based): chr8:23,007,750, T>A. VCF-style: chr8-23007750-T-A. GRCh37 (hg19) VCF-style: chr8-22865263-T-A.
Other names: c.1567+4T>A (NM_001160036.2); c.1522+4T>A (NM_001160037.2); c.1501+4T>A (NM_001374791.1).
Identifiers: ClinVar variation 3661054 (VCV003661054.2).

ClinVar aggregate classification (germline): Uncertain significance (1 of 4 stars; one submission).

Submission:

Labcorp Genetics (formerly Invitae), Labcorp
Classification: Uncertain significance. Last evaluated: 2024-07-31. Review status: criteria provided, single submitter. Criteria: Invitae Variant Classification Sherloc (09022015). Collection method: clinical testing. Allele origin: germline.
Comment: This sequence change falls in intron 7 of the RHOBTB2 gene. It does not directly change the encoded amino acid sequence of the RHOBTB2 protein. It affects a nucleotide within the consensus splice site. This variant is not present in population databases (gnomAD no frequency). This variant has not been reported in the literature in individuals affected with RHOBTB2-related conditions. Variants that disrupt the consensus splice site are a relatively common cause of aberrant splicing (PMID: 17576681, 9536098). Algorithms developed to predict the effect of sequence changes on RNA splicing suggest that this variant is not likely to affect RNA splicing. In summary, the available evidence is currently insufficient to determine the role of this variant in disease. Therefore, it has been classified as a Variant of Uncertain Significance.

Literature cited by the submitters: PubMed 17576681; PubMed 9536098.